The following is an entry in ClinVar:

NM_007126.5(VCP):c.655A>G (p.Met219Val)

Gene: VCP (valosin containing protein; minus strand). Cytogenetic location: 9p13.3.
Variant type: single nucleotide variant.
Coding change: c.655A>G on transcript NM_007126.5 (MANE Select); coding-DNA position 655, A replaced by G.
Protein change: p.Met219Val; replaces methionine 219 with valine.
Molecular consequence: missense variant.
Genome position (GRCh38, 1-based): chr9:35,064,207, T>C on the plus strand (A>G on the coding strand, the complement: VCP is on the minus strand). VCF-style: chr9-35064207-T-C. GRCh37 (hg19) VCF-style: chr9-35064204-T-C.
Other names: c.520A>G, p.Met174Val (NM_001354927.2, NM_001354928.2); short protein forms M174V, M219V.
Identifiers: ClinVar variation 4866409 (VCV004866409.1).

ClinVar aggregate classification (germline): Likely pathogenic (1 of 4 stars; one submission).

Conditions:
Inborn genetic diseases. Identifiers: MedGen C0950123, MeSH D030342.

Submission:

Ambry Genetics
Classification: Likely pathogenic for Inborn genetic diseases. Last evaluated: 2026-04-17. Review status: criteria provided, single submitter. Criteria: Ambry Variant Classification Scheme 2023. Collection method: clinical testing. Allele origin: germline.
Comment: The c.655A>G (p.M219V) alteration is located in exon 6 (coding exon 6) of the VCP gene. This alteration results from a A to G substitution at nucleotide position 655, causing the methionine (M) at amino acid position 219 to be replaced by a valine (V). for VCP-related neurodevelopmental disorder; however, its clinical significance for VCP-related multisystem proteinopathy is uncertain. This variant was not reported in population-based cohorts in the Genome Aggregation Database (gnomAD). This amino acid position is highly conserved in available vertebrate species. This missense variant is located in a region that has a low rate of benign missense variation (Lek, 2016; Firth, 2009). This alteration is predicted to be deleterious by in silico analysis. Based on the available evidence, this alteration is classified as likely pathogenic.